The following is an entry in ClinVar:

ClinVar aggregate classification (germline): Likely benign (1 of 4 stars; one submission).

Submission:

Molecular Diagnostic Laboratory for Inherited Cardiovascular Disease, Montreal Heart Institute
Classification: Likely benign. Last evaluated: 2025-02-17. Review status: criteria provided, single submitter. Criteria: ACMG Guidelines, 2015. Collection method: clinical testing. Allele origin: germline. Affected: no.
Comment: PM2, BP4

NM_004415.4(DSP):c.7817G>C (p.Ser2606Thr)

Gene: DSP (desmoplakin; plus strand). Cytogenetic location: 6p24.3.
Variant type: single nucleotide variant.
Coding change: c.7817G>C on transcript NM_004415.4 (MANE Select); coding-DNA position 7817, G replaced by C.
Protein change: p.Ser2606Thr; replaces serine 2606 with threonine.
Molecular consequence: missense variant.
Genome position (GRCh38, 1-based): chr6:7,585,079, G>C. VCF-style: chr6-7585079-G-C. GRCh37 (hg19) VCF-style: chr6-7585312-G-C.
Other names: c.6020G>C, p.Ser2007Thr (NM_001008844.3); c.6488G>C, p.Ser2163Thr (NM_001319034.2); short protein forms S2007T, S2163T, S2606T.
Identifiers: ClinVar variation 3767927 (VCV003767927.1).